The following is an entry in ClinVar:

ClinVar aggregate classification (germline): Uncertain significance (1 of 4 stars; one submission).

Conditions:
GNAS-related disorder. Identifiers: MedGen CN380105.

Submission:

PreventionGenetics, part of Exact Sciences
Classification: Uncertain significance for GNAS-related condition. Last evaluated: 2024-11-20. Review status: criteria provided, single submitter. Criteria: ACMG Guidelines, 2015. Collection method: clinical testing. Allele origin: germline.
Comment: The GNAS c.575C>A variant is predicted to result in the amino acid substitution p.Pro192Gln. To our knowledge, this variant has not been reported in the literature or in a large population database (gnomAD), indicating this variant is rare. A different amino acid substitution at this position (p.Pro192Leu) has been reported in a patient with pseudopseudohypoparathyroidism (Long et al. 2007. PubMed ID: 17164301). At this time, the clinical significance of this variant is uncertain due to the absence of conclusive functional and genetic evidence.

NM_000516.7(GNAS):c.575C>A (p.Pro192Gln)

Gene: GNAS (GNAS complex locus; plus strand). Cytogenetic location: 20q13.32.
Variant type: single nucleotide variant.
Coding change: c.575C>A on transcript NM_000516.7 (MANE Select); coding-DNA position 575, C replaced by A.
Protein change: p.Pro192Gln; replaces proline 192 with glutamine.
Molecular consequence: missense variant. On other transcripts: 3 prime UTR variant (2).
Genome position (GRCh38, 1-based): chr20:58,909,206, C>A. VCF-style: chr20-58909206-C-A. GRCh37 (hg19) VCF-style: chr20-57484261-C-A.
Other names: c.578C>A, p.Pro193Gln (NM_001077488.5); c.530C>A, p.Pro177Gln (NM_001077489.4); c.*436C>A (NM_001077490.3); c.398C>A, p.Pro133Gln (NM_001309840.2, NM_001309861.2, NM_001438276.1 and 1 more transcripts); c.479C>A, p.Pro160Gln (NM_001410912.1); c.2459C>A, p.Pro820Gln (NM_001410913.1); c.353C>A, p.Pro118Gln (NM_001438273.1, NM_001438274.1, NM_001438275.1); c.*481C>A (NM_016592.5); and 2 more; short protein forms P133Q, P160Q, P835Q, P178Q, P193Q, P820Q, P118Q, P177Q.
Identifiers: ClinVar variation 4999924 (VCV004999924.1).